The following is an entry in ClinVar:

NM_000089.4(COL1A2):c.766G>A (p.Gly256Ser)

Gene: COL1A2 (collagen type I alpha 2 chain; plus strand). Cytogenetic location: 7q21.3.
Variant type: single nucleotide variant.
Coding change: c.766G>A on transcript NM_000089.4 (MANE Select); coding-DNA position 766, G replaced by A.
Protein change: p.Gly256Ser; replaces glycine 256 with serine.
Molecular consequence: missense variant.
Genome position (GRCh38, 1-based): chr7:94,408,797, G>A. VCF-style: chr7-94408797-G-A. GRCh37 (hg19) VCF-style: chr7-94038109-G-A.
Other names: short protein forms G256S.
Identifiers: ClinVar variation 3761001 (VCV003761001.2).

ClinVar aggregate classification (germline): Pathogenic (1 of 4 stars; one submission).

Conditions:
Ehlers-Danlos syndrome, classic type, 1 (EDSCL1). Also called: EHLERS-DANLOS SYNDROME, GRAVIS TYPE; EHLERS-DANLOS SYNDROME, SEVERE CLASSIC TYPE; Ehlers-Danlos syndrome, type 1; Ehlers-Danlos Syndrome, Classic Type, COL5A1-Related; EDS I. Identifiers: MedGen C0268335, MONDO:0019567, OMIM 130000.
Osteogenesis imperfecta type I (OI1). Also called: OI, TYPE I; OSTEOGENESIS IMPERFECTA TARDA; OSTEOGENESIS IMPERFECTA WITH BLUE SCLERAE; Osteogenesis imperfecta type 1; Lobstein's Disease; Lobstein disease. Identifiers: Orphanet 216796, Orphanet 666, MedGen C0023931, MONDO:0008146, OMIM 166200. Disease mechanism: loss of function.

gnomAD v4.1: 1 of 1,614,128 alleles (0.000062%); highest among the groups gnomAD compares: Non-Finnish European, 0.000085%; no homozygotes.

Submission:

Labcorp Genetics (formerly Invitae), Labcorp
Classification: Pathogenic for Osteogenesis imperfecta type I; Ehlers-Danlos syndrome, classic type, 1. Last evaluated: 2024-07-08. Review status: criteria provided, single submitter. Criteria: Invitae Variant Classification Sherloc (09022015). Collection method: clinical testing. Allele origin: germline.
Comment: This sequence change replaces glycine, which is neutral and non-polar, with serine, which is neutral and polar, at codon 256 of the COL1A2 protein (p.Gly256Ser). This variant is not present in population databases (gnomAD no frequency). This missense change has been observed in individual(s) with osteogenesis imperfecta (Invitae). Advanced modeling of protein sequence and biophysical properties (such as structural, functional, and spatial information, amino acid conservation, physicochemical variation, residue mobility, and thermodynamic stability) performed at Invitae indicates that this missense variant is expected to disrupt COL1A2 protein function with a positive predictive value of 95%. This variant disrupts the triple helix domain of COL1A2. Glycine residues within the Gly-Xaa-Yaa repeats of the triple helix domain are required for the structure and stability of fibrillar collagens (PMID: 7695699, 8218237, 19344236). In COL1A2, variants affecting these glycine residues are significantly enriched in individuals with disease (PMID: 9016532, 17078022) compared to the general population (ExAC). This variant disrupts the p.Gly256 amino acid residue in COL1A2. Other variant(s) that disrupt this residue have been observed in individuals with COL1A2-related conditions (PMID: 16786509, 17078022), which suggests that this may be a clinically significant amino acid residue. For these reasons, this variant has been classified as Pathogenic.

Literature cited by the submitters: PubMed 7695699; PubMed 8218237; PubMed 19344236; PubMed 9016532; PubMed 17078022; PubMed 16786509.